The following is an entry in ClinVar:

NM_005154.5(USP8):c.1675C>T (p.His559Tyr)

Gene: USP8 (ubiquitin specific peptidase 8; plus strand). Cytogenetic location: 15q21.2.
Variant type: single nucleotide variant.
Coding change: c.1675C>T on transcript NM_005154.5 (MANE Select); coding-DNA position 1675, C replaced by T.
Protein change: p.His559Tyr; replaces histidine 559 with tyrosine.
Molecular consequence: missense variant.
Genome position (GRCh38, 1-based): chr15:50,481,937, C>T. VCF-style: chr15-50481937-C-T. GRCh37 (hg19) VCF-style: chr15-50774134-C-T.
Other names: c.1675C>T, p.His559Tyr (NM_001128610.3); c.1444C>T, p.His482Tyr (NM_001283049.2); short protein forms H482Y, H559Y.
Identifiers: ClinVar variation 704832 (VCV000704832.14), dbSNP rs192977674, ClinGen allele CA7555751.

ClinVar aggregate classification (germline): Benign/Likely benign. Review status: criteria provided, multiple submitters, no conflicts (2 of 4 stars). 4 submissions from 4 submitters: Benign (2); Likely benign (1). 1 of the submissions does not count toward it. Last evaluated 2026-09-01.

Conditions:
USP8-related disorder. Also called: USP8-related condition.
Hereditary spastic paraplegia. Also called: Familial spastic paraparesis. Identifiers: Orphanet 685, MedGen C0037773, MONDO:0019064. Disease mechanism: loss of function.

Allele frequency attached by ClinVar (database versions not stated): gnomAD exomes 0.00040 and 0.00205; gnomAD 0.00044 and 0.00045; 1000 Genomes Project 0.00060; 1000 Genomes Project 30x 0.00062; TOPMed 0.00124; ExAC 0.00214.
gnomAD v4.1: 630 of 1,607,666 alleles (0.039%); highest among the groups gnomAD compares: Admixed American, 1.1%; 7 homozygotes.

Submissions (4):

CeGaT Center for Human Genetics Tuebingen
Classification: Likely benign. Last evaluated: 2026-09-01. Review status: criteria provided, single submitter. Criteria: CeGaT Center For Human Genetics Tuebingen Variant Classification Criteria Version 2. Collection method: clinical testing. Allele origin: germline. Affected: yes. Observed: 3 variant alleles.
Comment: USP8: BP4, BS1

Labcorp Genetics (formerly Invitae), Labcorp
Classification: Benign for Hereditary spastic paraplegia. Last evaluated: 2026-01-05. Review status: criteria provided, single submitter. Criteria: Invitae Variant Classification Sherloc (09022015). Collection method: clinical testing. Allele origin: germline.

Breakthrough Genomics
Classification: Benign. Review status: criteria provided, single submitter. Criteria: ACMG Guidelines, 2015. Collection method: not provided. Allele origin: germline. Inheritance: Autosomal recessive inheritance. Affected: yes.

PreventionGenetics, part of Exact Sciences
Classification: Likely benign for USP8-related condition. Last evaluated: 2021-07-26. Review status: no assertion criteria provided. Collection method: clinical testing. Allele origin: germline. Not counted in ClinVar's aggregate classification.
Comment: This variant is classified as likely benign based on ACMG/AMP sequence variant interpretation guidelines (Richards et al. 2015 PMID: 25741868, with internal and published modifications).